The following is an entry in ClinVar:

ClinVar aggregate classification (germline): Uncertain significance (0 of 4 stars; one submission).

Conditions:
GNAS-related disorder. Identifiers: MedGen CN380105.

gnomAD v4.1: 37 of 1,567,408 alleles (0.0024%); highest among the groups gnomAD compares: African/African-American, 0.0027%; no homozygotes.

Submission:

PreventionGenetics, part of Exact Sciences
Classification: Uncertain significance for GNAS-related condition. Last evaluated: 2023-12-26. Review status: no assertion criteria provided. Collection method: clinical testing. Allele origin: germline.
Comment: The GNAS c.962C>T variant is predicted to result in the amino acid substitution p.Pro321Leu. To our knowledge, this variant has not been reported in the literature. GNAS gene is able to undergo alternative splicing and in the most highly expressed or primary transcript, NM_000516.5, this variant occurs within a non-coding region (c.-37313C>T) of the gene. This variant is reported in 0.0042% of alleles in individuals of European (Non-Finnish) descent in gnomAD. At this time, the clinical significance of this variant is uncertain due to the absence of conclusive functional and genetic evidence.

NM_080425.4(GNAS):c.1149C>T (p.Ala383=)

Gene: GNAS (GNAS complex locus; plus strand). Cytogenetic location: 20q13.32.
Variant type: single nucleotide variant.
Coding change: c.1149C>T on transcript NM_080425.4 (MANE Plus Clinical); coding-DNA position 1149, C replaced by T.
Protein change: p.Ala383=; no amino-acid change (alanine 383 retained).
Molecular consequence: synonymous variant. On other transcripts: missense variant (2), intron variant (3).
Genome position (GRCh38, 1-based): chr20:58,854,414, C>T. VCF-style: chr20-58854414-C-T. GRCh37 (hg19) VCF-style: chr20-57429469-C-T.
Other names: c.962C>T, p.Pro321Leu (NM_001077490.3, NM_001309883.1); c.1149C>T, p.Ala383= (NM_001410913.1); c.*42+13528C>T (NM_016592.5); c.43+13528C>T (NM_001410912.1); c.-39+12539C>T (NM_001309861.2); short protein forms P321L.
Identifiers: ClinVar variation 3351487 (VCV003351487.1).